The following is an entry in ClinVar:

NM_000169.3(GLA):c.425G>A (p.Cys142Tyr)

Genes: GLA (galactosidase alpha; minus strand), RPL36A-HNRNPH2 (RPL36A-HNRNPH2 readthrough; plus strand). Cytogenetic location: Xq22.1.
Variant type: single nucleotide variant.
Coding change: c.425G>A on transcript NM_000169.3 (MANE Select); coding-DNA position 425, G replaced by A.
Protein change: p.Cys142Tyr; replaces cysteine 142 with tyrosine.
Molecular consequence: missense variant. On other transcripts: non-coding transcript variant (3), intron variant (2).
Genome position (GRCh38, 1-based): chrX:101,401,754, C>T on the plus strand (G>A on the coding strand, the complement: GLA is on the minus strand). VCF-style: chrX-101401754-C-T. GRCh37 (hg19) VCF-style: chrX-100656742-C-T.
Other names: c.548G>A, p.Cys183Tyr (NM_001406747.1, NM_001406749.1); c.425G>A, p.Cys142Tyr (NM_001406748.1); c.300+6297C>T (NM_001199973.2); c.177+9932C>T (NM_001199974.2); short protein forms C142Y, C183Y.
Identifiers: ClinVar variation 4087369 (VCV004087369.2).
Genomic context (GRCh38, chrX:101,401,754, plus strand): 5'-CAGTCAGCAAAGGTCTGGGCATCAATGTCGTAGTATCCAAAACTCCCAGGGAAGCCTGCG[C>T]AGGTTTTATTTCCAACATCTGCATAAATCCCTAGCTTCAGTCCTTTGCTGTGAACCTGAA-3'
Protein context (NP_000160.1, residues 132-152): GIYADVGNKT[Cys142Tyr]AGFPGSFGYY

ClinVar aggregate classification (germline): Pathogenic (1 of 4 stars; one submission).

Conditions:
Fabry disease. Also called: ALPHA-GALACTOSIDASE A DEFICIENCY; ANDERSON-FABRY DISEASE; CERAMIDE TRIHEXOSIDASE DEFICIENCY; GLA DEFICIENCY; HEREDITARY DYSTOPIC LIPIDOSIS; Angiokeratoma corporis diffusum. Identifiers: Orphanet 324, MedGen C0002986, MONDO:0010526, OMIM 301500, HP:0001071. Disease mechanism: Fabry disease is due to inactivating mutations in the X-linked GLA gene resulting in deficiency of the enzyme Alpha Galactosidase-A., loss of function.

Submission:

Genomenon, Inc
Classification: Pathogenic for Fabry disease. Last evaluated: 2026-09-08. Review status: criteria provided, single submitter. Criteria: Genomenon Sequence Variant Interpretation Standards - Updated. Collection method: curation. Allele origin: germline. Affected: yes.
Comment: GLA p.Cys142Tyr (c.425G>A) is a missense variant that changes the amino acid at codon 142 from Cysteine to Tyrosine. This variant has been observed in at least one proband with clinical features consistent with Fabry disease (PMID:27896103;15091117;21333496). The variant was found to segregate with disease in at least one affected family (PMID:21333496). At least one functional study has demonstrated a substantial alteration in protein function relative to the wild-type (PMID:7575533;27657681;21972175). This variant is located in a mutational hotspot and/or important functional domain. It is absent or not present at a significant frequency in gnomAD. In silico models predict that this variant is possibly or probably damaging. In conclusion, we classify GLA p.Cys142Tyr (c.425G>A) as a pathogenic variant.

Literature cited by the submitters: PubMed 27896103; PubMed 15091117; PubMed 21333496; PubMed 7575533; PubMed 27657681; PubMed 21972175.